The following is an entry in ClinVar:

ClinVar aggregate classification (germline): Uncertain significance. Review status: criteria provided, multiple submitters, no conflicts (2 of 4 stars). 3 submissions from 3 submitters: Uncertain significance (3). Last evaluated 2025-05-09.

Conditions:
Drash syndrome (DDS). Also called: NEPHROPATHY, WILMS TUMOR, AND GENITAL ANOMALIES; WILMS TUMOR AND PSEUDO- OR TRUE HERMAPHRODITISM. Identifiers: Orphanet 220, MedGen C0950121, MONDO:0008682, OMIM 194080.
Wilms tumor 1 (WT1). Also called: Wilms tumor, somatic. Identifiers: Orphanet 654, MedGen CN033288, MONDO:0008679, OMIM 194070.
Frasier syndrome. Identifiers: Orphanet 347, MedGen C0950122, MeSH D052159, MONDO:0007635, OMIM 136680.
11p partial monosomy syndrome (WAGR). Also called: CHROMOSOME 11p13 DELETION SYNDROME; WAGR Spectrum Disorder; WAGR syndrome; WAGR Complex. Identifiers: Orphanet 893, MedGen C0206115, MONDO:0008681, OMIM 194072.
Inborn genetic diseases. Identifiers: MedGen C0950123, MeSH D030342.

Allele frequency attached by ClinVar (database versions not stated): ExAC 0.00001; TOPMed 0.00001; 1000 Genomes Project 30x 0.00016; 1000 Genomes Project 0.00020.
gnomAD v4.1: 2 of 1,612,624 alleles (0.00012%); highest among the groups gnomAD compares: Admixed American, 0.0017%; no homozygotes.

Submissions (3):

Ambry Genetics
Classification: Uncertain significance for Inborn genetic diseases. Last evaluated: 2025-05-09. Review status: criteria provided, single submitter. Criteria: Ambry Variant Classification Scheme 2023. Collection method: clinical testing. Allele origin: germline.
Comment: The p.A188V variant (also known as c.563C>T), located in coding exon 1 of the WT1 gene, results from a C to T substitution at nucleotide position 563. The alanine at codon 188 is replaced by valine, an amino acid with similar properties. This amino acid position is not well conserved in available vertebrate species. In addition, the in silico prediction for this alteration is inconclusive. Based on the available evidence, the clinical significance of this variant remains unclear.

Labcorp Genetics (formerly Invitae), Labcorp
Classification: Uncertain significance for Wilms tumor 1; Drash syndrome; 11p partial monosomy syndrome; Frasier syndrome. Last evaluated: 2025-01-19. Review status: criteria provided, single submitter. Criteria: Invitae Variant Classification Sherloc (09022015). Collection method: clinical testing. Allele origin: germline.
Comment: This sequence change replaces alanine, which is neutral and non-polar, with valine, which is neutral and non-polar, at codon 188 of the WT1 protein (p.Ala188Val). This variant is present in population databases (rs572926487, gnomAD 0.007%). This variant has not been reported in the literature in individuals affected with WT1-related conditions. ClinVar contains an entry for this variant (Variation ID: 2932719). Invitae Evidence Modeling of protein sequence and biophysical properties (such as structural, functional, and spatial information, amino acid conservation, physicochemical variation, residue mobility, and thermodynamic stability) has been performed for this missense variant. However, the output from this modeling did not meet the statistical confidence thresholds required to predict the impact of this variant on WT1 protein function. In summary, the available evidence is currently insufficient to determine the role of this variant in disease. Therefore, it has been classified as a Variant of Uncertain Significance.

All of Us Research Program, National Institutes of Health
Classification: Uncertain significance for Wilms tumor 1. Last evaluated: 2023-06-26. Review status: criteria provided, single submitter. Criteria: ACMG Guidelines, 2015. Collection method: clinical testing. Allele origin: germline. Inheritance: Autosomal dominant inheritance. Observed: 2 variant alleles, 2 heterozygotes.
Comment: This missense variant replaces alanine with valine at codon 188 in the WT1 protein. Computational prediction suggests that this variant may not impact protein structure and function (internally defined REVEL score threshold <= 0.5, PMID: 27666373). To our knowledge, functional studies have not been reported for this variant. This variant has been reported in an individual affected with a horsehoe kidney, dysmorphic features, and a ventricular septal defect (PMID: 31738409). This variant has been identified in 2/244504 chromosomes in the general population by the Genome Aggregation Database (gnomAD). The available evidence is insufficient to determine the role of this variant in disease conclusively. Therefore, this variant is classified as a Variant of Uncertain Significance.

This study involves interpretation of variants in research participants for the purpose of population health screening. Participant phenotype was not available at the time of variant classification. Additional details can be found in publication PMID: 35346344, PMCID: PMC8962531

Literature cited by the submitters: PubMed 31738409 (cited by All of Us Research Program, National Institutes of Health).

NM_024426.6(WT1):c.578C>T (p.Ala193Val)

Genes: WT1 (WT1 transcription factor; minus strand), LOC107982234 (WT1/WT1-AS bi-directional promoter region; plus strand). Cytogenetic location: 11p13.
Variant type: single nucleotide variant.
Coding change: c.578C>T on transcript NM_024426.6 (MANE Select); coding-DNA position 578, C replaced by T.
Protein change: p.Ala193Val; replaces alanine 193 with valine.
Molecular consequence: missense variant. On other transcripts: non-coding transcript variant (2).
Genome position (GRCh38, 1-based): chr11:32,434,783, G>A on the plus strand (C>T on the coding strand, the complement: WT1 is on the minus strand). VCF-style: chr11-32434783-G-A. GRCh37 (hg19) VCF-style: chr11-32456329-G-A.
Other names: c.578C>T, p.Ala193Val (NM_000378.6, NM_001407044.1, NM_001407045.1 and 6 more transcripts); c.563C>T, p.Ala188Val (NM_024425.2); c.563C>T (NM_024426.4); short protein forms A188V, A193V.
Identifiers: ClinVar variation 2932719 (VCV002932719.5), dbSNP rs572926487, ClinGen allele CA065052.